The following is an entry in ClinVar:

ClinVar aggregate classification (germline): Uncertain significance. Review status: criteria provided, multiple submitters, no conflicts (2 of 4 stars). 2 submissions from 2 submitters: Uncertain significance (2). Last evaluated 2024-05-15.

Conditions:
Developmental and epileptic encephalopathy, 54. Also called: Epileptic encephalopathy, early infantile, 54; HNRNPU-Related Neurodevelopmental Disorder. Identifiers: MedGen C4479319, MONDO:0033363, OMIM 617391.
Inborn genetic diseases. Identifiers: MedGen C0950123, MeSH D030342.

Allele frequency attached by ClinVar (database versions not stated): TOPMed below 0.00001; ExAC 0.00001; ESP Exome Variant Server 0.00008.

Submissions (2):

Labcorp Genetics (formerly Invitae), Labcorp
Classification: Uncertain significance for Developmental and epileptic encephalopathy, 54. Last evaluated: 2024-05-15. Review status: criteria provided, single submitter. Criteria: Invitae Variant Classification Sherloc (09022015). Collection method: clinical testing. Allele origin: germline.
Comment: This sequence change replaces asparagine, which is neutral and polar, with aspartic acid, which is acidic and polar, at codon 781 of the HNRNPU protein (p.Asn781Asp). This variant is present in population databases (rs377250459, gnomAD 0.007%). This variant has not been reported in the literature in individuals affected with HNRNPU-related conditions. ClinVar contains an entry for this variant (Variation ID: 658400). Advanced modeling of protein sequence and biophysical properties (such as structural, functional, and spatial information, amino acid conservation, physicochemical variation, residue mobility, and thermodynamic stability) performed at Invitae indicates that this missense variant is not expected to disrupt HNRNPU protein function with a negative predictive value of 80%. In summary, the available evidence is currently insufficient to determine the role of this variant in disease. Therefore, it has been classified as a Variant of Uncertain Significance.

Ambry Genetics
Classification: Uncertain significance for Inborn genetic diseases. Last evaluated: 2018-08-17. Review status: criteria provided, single submitter. Criteria: Ambry Variant Classification Scheme 2023. Collection method: clinical testing. Allele origin: germline.
Comment: The p.N781D variant (also known as c.2341A>G), located in coding exon 12 of the HNRNPU gene, results from an A to G substitution at nucleotide position 2341. The asparagine at codon 781 is replaced by aspartic acid, an amino acid with highly similar properties. This amino acid position is highly conserved in available vertebrate species. In addition, this alteration is predicted to be tolerated by in silico analysis. Since supporting evidence is limited at this time, the clinical significance of this alteration remains unclear.

NM_031844.3(HNRNPU):c.2341A>G (p.Asn781Asp)

Gene: HNRNPU (heterogeneous nuclear ribonucleoprotein U; minus strand). Cytogenetic location: 1q44.
Variant type: single nucleotide variant.
Coding change: c.2341A>G on transcript NM_031844.3 (MANE Select); coding-DNA position 2341, A replaced by G.
Protein change: p.Asn781Asp; replaces asparagine 781 with aspartic acid.
Molecular consequence: missense variant.
Genome position (GRCh38, 1-based): chr1:244,855,435, T>C on the plus strand (A>G on the coding strand, the complement: HNRNPU is on the minus strand). VCF-style: chr1-244855435-T-C. GRCh37 (hg19) VCF-style: chr1-245018737-T-C.
Other names: c.2284A>G, p.Asn762Asp (NM_004501.3); short protein forms N762D, N781D.
Identifiers: ClinVar variation 658400 (VCV000658400.11), dbSNP rs377250459, ClinGen allele CA1486263.
Genomic context (GRCh38, chr1:244,855,435, plus strand): 5'-GACTAAGCTACAGTTATCAATCATGCTTCCAGGGATCTTGAATCATTACCTGGTTGTAGT[T>C]CCCTCTGTTGGGCATTCCACCTCTGTTGTAGTTCCCTCTGTTTGAGTAACTACCACGGCC-3'
Protein context (NP_114032.2, residues 771-791): YNRGGMPNRG[Asn781Asp]YNQNFRGRGN